The following is an entry in ClinVar:

ClinVar aggregate classification (germline): Conflicting classifications of pathogenicity. Review status: criteria provided, conflicting classifications (1 of 4 stars). 5 submissions from 5 submitters: Uncertain significance (4); Likely benign (1). Last evaluated 2026-07-01.

Conditions:
Cardiovascular phenotype. Identifiers: MedGen CN230736.
Hereditary cancer-predisposing syndrome. Also called: Hereditary neoplastic syndrome; Neoplastic Syndromes, Hereditary; Tumor predisposition; Hereditary Cancer Syndrome. Identifiers: Orphanet 140162, MedGen C0027672, MeSH D009386, MONDO:0015356.

Submissions (5):

CeGaT Center for Human Genetics Tuebingen
Classification: Uncertain significance. Last evaluated: 2026-07-01. Review status: criteria provided, single submitter. Criteria: CeGaT Center For Human Genetics Tuebingen Variant Classification Criteria Version 2. Collection method: clinical testing. Allele origin: germline. Affected: yes. Observed: 1 variant allele.
Comment: LZTR1: PM2

Ambry Genetics
Classification: Likely benign for Cardiovascular phenotype; Hereditary cancer-predisposing syndrome. Last evaluated: 2025-09-30. Review status: criteria provided, single submitter. Criteria: Ambry Variant Classification Scheme 2023. Collection method: clinical testing. Allele origin: germline.

Labcorp Genetics (formerly Invitae), Labcorp
Classification: Uncertain significance. Last evaluated: 2025-08-04. Review status: criteria provided, single submitter. Criteria: Invitae Variant Classification Sherloc (09022015). Collection method: clinical testing. Allele origin: germline.
Comment: This sequence change replaces proline, which is neutral and non-polar, with glutamine, which is neutral and polar, at codon 4 of the LZTR1 protein (p.Pro4Gln). This variant is not present in population databases (gnomAD no frequency). This variant has not been reported in the literature in individuals affected with LZTR1-related conditions. ClinVar contains an entry for this variant (Variation ID: 1747014). Invitae Evidence Modeling of protein sequence and biophysical properties (such as structural, functional, and spatial information, amino acid conservation, physicochemical variation, residue mobility, and thermodynamic stability) has been performed for this missense variant. However, the output from this modeling did not meet the statistical confidence thresholds required to predict the impact of this variant on LZTR1 protein function. In summary, the available evidence is currently insufficient to determine the role of this variant in disease. Therefore, it has been classified as a Variant of Uncertain Significance.

ARUP Laboratories, Molecular Genetics and Genomics, ARUP Laboratories
Classification: Uncertain significance. Last evaluated: 2025-02-26. Review status: criteria provided, single submitter. Criteria: ARUP Molecular Germline Variant Investigation Process 2024. Collection method: clinical testing. Allele origin: germline.
Comment: The LZTR1 c.11C>A; p.Pro4Gln variant, to our knowledge, is not reported in the medical literature but is reported in ClinVar (Variation ID: 1747014). This variant is absent from the Genome Aggregation Database (v2.1.1), indicating it is not a common polymorphism. Computational analyses predict that this variant is neutral (REVEL: 0.019). However, given the lack of clinical and functional data, the significance of this variant is uncertain at this time.

Women's Health and Genetics/Laboratory Corporation of America, LabCorp
Classification: Uncertain significance. Last evaluated: 2024-11-10. Review status: criteria provided, single submitter. Criteria: LabCorp Variant Classification Summary - May 2015. Collection method: clinical testing. Allele origin: germline.

NM_006767.4(LZTR1):c.11C>A (p.Pro4Gln)

Genes: LZTR1 (leucine zipper like post translational regulator 1; plus strand), LOC130067016 (ATAC-STARR-seq lymphoblastoid silent region 13504; plus strand). Cytogenetic location: 22q11.21.
Variant type: single nucleotide variant.
Coding change: c.11C>A on transcript NM_006767.4 (MANE Select); coding-DNA position 11, C replaced by A.
Protein change: p.Pro4Gln; replaces proline 4 with glutamine.
Molecular consequence: missense variant.
Genome position (GRCh38, 1-based): chr22:20,982,382, C>A. VCF-style: chr22-20982382-C-A. GRCh37 (hg19) VCF-style: chr22-21336671-C-A.
Other names: short protein forms P4Q.
Identifiers: ClinVar variation 1747014 (VCV001747014.9), dbSNP rs2518607552, ClinGen allele CA410777409.